The following is an entry in ClinVar:

ClinVar aggregate classification (germline): Conflicting classifications of pathogenicity. Review status: criteria provided, conflicting classifications (1 of 4 stars). 5 submissions from 5 submitters: Uncertain significance (1); Likely benign (4). Last evaluated 2025-08-04.

Conditions:
Epilepsy, familial focal, with variable foci 3 (FFEVF3). Identifiers: MedGen C4310708, MONDO:0014925, OMIM 617118.
Inborn genetic diseases. Identifiers: MedGen C0950123, MeSH D030342.

Allele frequency attached by ClinVar (database versions not stated): TOPMed 0.00006; gnomAD exomes 0.00008; ExAC 0.00011; gnomAD 0.00012; ESP Exome Variant Server 0.00015; 1000 Genomes Project 30x 0.00031.
gnomAD v4.1: 214 of 1,612,232 alleles (0.013%); highest among the groups gnomAD compares: East Asian, 0.029%; no homozygotes.

Submissions (5):

Labcorp Genetics (formerly Invitae), Labcorp
Classification: Uncertain significance for Epilepsy, familial focal, with variable foci 3. Last evaluated: 2025-08-04. Review status: criteria provided, single submitter. Criteria: Invitae Variant Classification Sherloc (09022015). Collection method: clinical testing. Allele origin: germline.
Comment: This sequence change replaces arginine, which is basic and polar, with cysteine, which is neutral and slightly polar, at codon 147 of the NPRL3 protein (p.Arg147Cys). This variant is present in population databases (rs202129021, gnomAD 0.04%), and has an allele count higher than expected for a pathogenic variant. This variant has not been reported in the literature in individuals affected with NPRL3-related conditions. ClinVar contains an entry for this variant (Variation ID: 574970). Invitae Evidence Modeling of protein sequence and biophysical properties (such as structural, functional, and spatial information, amino acid conservation, physicochemical variation, residue mobility, and thermodynamic stability) indicates that this missense variant is not expected to disrupt NPRL3 protein function with a negative predictive value of 80%. In summary, the available evidence is currently insufficient to determine the role of this variant in disease. Therefore, it has been classified as a Variant of Uncertain Significance.

CeGaT Center for Human Genetics Tuebingen
Classification: Likely benign. Last evaluated: 2025-03-01. Review status: criteria provided, single submitter. Criteria: CeGaT Center For Human Genetics Tuebingen Variant Classification Criteria Version 2. Collection method: clinical testing. Allele origin: germline. Affected: yes. Observed: 1 variant allele.
Comment: NPRL3: BS1

Blueprint Genetics
Classification: Likely benign. Last evaluated: 2024-10-15. Review status: criteria provided, single submitter. Criteria: ACMG Guidelines, 2015. Collection method: clinical testing. Allele origin: germline.

Ambry Genetics
Classification: Likely benign for Inborn genetic diseases. Last evaluated: 2023-07-25. Review status: criteria provided, single submitter. Criteria: Ambry Variant Classification Scheme 2023. Collection method: clinical testing. Allele origin: germline.

GeneDx
Classification: Likely benign. Last evaluated: 2021-04-21. Review status: criteria provided, single submitter. Criteria: GeneDx Variant Classification Process June 2021. Collection method: clinical testing. Allele origin: germline. Affected: yes.
Comment: This variant is associated with the following publications: (PMID: 28492532)

NM_001077350.3(NPRL3):c.439C>T (p.Arg147Cys)

Genes: HBA-LCR (alpha-globin locus control region; plus strand), NPRL3 (NPR3 like, GATOR1 complex subunit; minus strand). Cytogenetic location: 16p13.3.
Variant type: single nucleotide variant.
Coding change: c.439C>T on transcript NM_001077350.3 (MANE Select); coding-DNA position 439, C replaced by T.
Protein change: p.Arg147Cys; replaces arginine 147 with cysteine.
Molecular consequence: missense variant. On other transcripts: 5 prime UTR variant (1).
Genome position (GRCh38, 1-based): chr16:112,730, G>A on the plus strand (C>T on the coding strand, the complement: NPRL3 is on the minus strand). VCF-style: chr16-112730-G-A. GRCh37 (hg19) VCF-style: chr16-162729-G-A.
Other names: c.-99C>T (NM_001039476.3); c.205C>T, p.Arg69Cys (NM_001243247.2); c.364C>T, p.Arg122Cys (NM_001243248.2, NM_001243249.2); short protein forms R147C, R122C, R69C.
Identifiers: ClinVar variation 574970 (VCV000574970.22), dbSNP rs202129021, ClinGen allele CA7769662.